The following is an entry in ClinVar:

NM_000343.4(SLC5A1):c.1241G>A (p.Arg414His)

Gene: SLC5A1 (solute carrier family 5 member 1; plus strand). Cytogenetic location: 22q12.3.
Variant type: single nucleotide variant.
Coding change: c.1241G>A on transcript NM_000343.4 (MANE Select); coding-DNA position 1241, G replaced by A.
Protein change: p.Arg414His; replaces arginine 414 with histidine.
Molecular consequence: missense variant.
Genome position (GRCh38, 1-based): chr22:32,091,723, G>A. VCF-style: chr22-32091723-G-A. GRCh37 (hg19) VCF-style: chr22-32487710-G-A.
Other names: c.860G>A, p.Arg287His (NM_001256314.2); short protein forms R287H, R414H.
Identifiers: ClinVar variation 1447489 (VCV001447489.8), dbSNP rs199573966, ClinGen allele CA10198192.
Genomic context (GRCh38, chr22:32,091,723, plus strand): 5'-TGACCTCCATCTTCAACAGCGCCAGCACCCTCTTCACCATGGACATCTACGCCAAGGTCC[G>A]CAAGAGAGCATCTGAGAAAGAGCTCATGATTGCCGGAAGGTAAATGCAGCTTCCCCCAAG-3'
Protein context (NP_000334.1, residues 404-424): LFTMDIYAKV[Arg414His]KRASEKELMI

ClinVar aggregate classification (germline): Uncertain significance. Review status: criteria provided, multiple submitters, no conflicts (2 of 4 stars). 3 submissions from 3 submitters: Uncertain significance (3). Last evaluated 2024-12-20.

Conditions:
Congenital glucose-galactose malabsorption (GGM). Also called: MONOSACCHARIDE MALABSORPTION; DIARRHEA 16. Identifiers: Orphanet 35710, MedGen C0268186, MONDO:0011731, OMIM 606824.

gnomAD v4.1: 62 of 1,613,826 alleles (0.0038%); highest among the groups gnomAD compares: Admixed American, 0.005%; no homozygotes.

Submissions (3):

Labcorp Genetics (formerly Invitae), Labcorp
Classification: Uncertain significance for Congenital glucose-galactose malabsorption. Last evaluated: 2024-12-20. Review status: criteria provided, single submitter. Criteria: Invitae Variant Classification Sherloc (09022015). Collection method: clinical testing. Allele origin: germline.
Comment: This sequence change replaces arginine, which is basic and polar, with histidine, which is basic and polar, at codon 414 of the SLC5A1 protein (p.Arg414His). This variant is present in population databases (rs199573966, gnomAD 0.008%). This variant has not been reported in the literature in individuals affected with SLC5A1-related conditions. ClinVar contains an entry for this variant (Variation ID: 1447489). Invitae Evidence Modeling of protein sequence and biophysical properties (such as structural, functional, and spatial information, amino acid conservation, physicochemical variation, residue mobility, and thermodynamic stability) has been performed for this missense variant. However, the output from this modeling did not meet the statistical confidence thresholds required to predict the impact of this variant on SLC5A1 protein function. In summary, the available evidence is currently insufficient to determine the role of this variant in disease. Therefore, it has been classified as a Variant of Uncertain Significance.

GeneDx
Classification: Uncertain significance. Last evaluated: 2024-10-30. Review status: criteria provided, single submitter. Criteria: GeneDx Variant Classification Process June 2021. Collection method: clinical testing. Allele origin: germline. Affected: yes.
Comment: In silico analysis supports that this missense variant has a deleterious effect on protein structure/function; Has not been previously published as pathogenic or benign to our knowledge

Fulgent Genetics
Classification: Uncertain significance for Congenital glucose-galactose malabsorption. Last evaluated: 2022-03-09. Review status: criteria provided, single submitter. Criteria: ACMG Guidelines, 2015. Collection method: clinical testing. Allele origin: unknown.